The following is an entry in ClinVar:

ClinVar aggregate classification (germline): Uncertain significance (1 of 4 stars; one submission).

Submission:

GeneDx
Classification: Uncertain significance. Last evaluated: 2025-04-10. Review status: criteria provided, single submitter. Criteria: GeneDx Variant Classification Process June 2021. Collection method: clinical testing. Allele origin: germline. Affected: yes.
Comment: Not observed at significant frequency in large population cohorts (gnomAD); In silico analysis indicates that this missense variant does not alter protein structure/function; Has not been previously published as pathogenic or benign to our knowledge

NM_001039141.3(TRIOBP):c.3262C>T (p.Leu1088Phe)

Gene: TRIOBP (TRIO and F-actin binding protein; plus strand). Cytogenetic location: 22q13.1.
Variant type: single nucleotide variant.
Coding change: c.3262C>T on transcript NM_001039141.3 (MANE Select); coding-DNA position 3262, C replaced by T.
Protein change: p.Leu1088Phe; replaces leucine 1088 with phenylalanine.
Molecular consequence: missense variant.
Genome position (GRCh38, 1-based): chr22:37,725,818, C>T. VCF-style: chr22-37725818-C-T. GRCh37 (hg19) VCF-style: chr22-38121825-C-T.
Other names: short protein forms L1088F.
Identifiers: ClinVar variation 4282404 (VCV004282404.1).